The following is an entry in ClinVar:

NM_022455.5(NSD1):c.2586C>T (p.Ser862=)

Gene: NSD1 (nuclear receptor binding SET domain protein 1; plus strand). Cytogenetic location: 5q35.3.
Variant type: single nucleotide variant.
Coding change: c.2586C>T on transcript NM_022455.5 (MANE Select); coding-DNA position 2586, C replaced by T.
Protein change: p.Ser862=; no amino-acid change (serine 862 retained).
Molecular consequence: synonymous variant.
Genome position (GRCh38, 1-based): chr5:177,210,985, C>T. VCF-style: chr5-177210985-C-T. GRCh37 (hg19) VCF-style: chr5-176637986-C-T.
Other names: c.1713C>T, p.Ser571= (NM_001365684.2, NM_001409306.1, NM_001409307.1 and 3 more transcripts); c.2586C>T, p.Ser862= (NM_001409301.1, NM_001409302.1, NM_001409303.1); c.2166C>T, p.Ser722= (NM_001409304.1); c.1833C>T, p.Ser611= (NM_001409305.1).
Identifiers: ClinVar variation 1104666 (VCV001104666.15), dbSNP rs752997132, ClinGen allele CA3577296.

ClinVar aggregate classification (germline): Likely benign. Review status: criteria provided, multiple submitters, no conflicts (2 of 4 stars). 2 submissions from 2 submitters: Likely benign (2). Last evaluated 2025-12-26.

Allele frequency attached by ClinVar (database versions not stated): ExAC 0.00001; gnomAD exomes 0.00001 and 0.00002; TOPMed 0.00003; gnomAD 0.00004.
gnomAD v4.1: 17 of 1,613,966 alleles (0.0011%); highest among the groups gnomAD compares: African/African-American, 0.013%; no homozygotes.

Submissions (2):

Labcorp Genetics (formerly Invitae), Labcorp
Classification: Likely benign. Last evaluated: 2025-12-26. Review status: criteria provided, single submitter. Criteria: Invitae Variant Classification Sherloc (09022015). Collection method: clinical testing. Allele origin: germline.

CeGaT Center for Human Genetics Tuebingen
Classification: Likely benign. Last evaluated: 2025-11-01. Review status: criteria provided, single submitter. Criteria: CeGaT Center For Human Genetics Tuebingen Variant Classification Criteria Version 2. Collection method: clinical testing. Allele origin: germline. Affected: yes. Observed: 1 variant allele.
Comment: NSD1: BP4, BP7